The following is an entry in ClinVar:

NM_000295.5(SERPINA1):c.542T>C (p.Ile181Thr)

Gene: SERPINA1 (serpin family A member 1; minus strand). Cytogenetic location: 14q32.13.
Variant type: single nucleotide variant.
Coding change: c.542T>C on transcript NM_000295.5 (MANE Select); coding-DNA position 542, T replaced by C.
Protein change: p.Ile181Thr; replaces isoleucine 181 with threonine.
Molecular consequence: missense variant.
Genome position (GRCh38, 1-based): chr14:94,382,696, A>G on the plus strand (T>C on the coding strand, the complement: SERPINA1 is on the minus strand). VCF-style: chr14-94382696-A-G. GRCh37 (hg19) VCF-style: chr14-94849033-A-G.
Other names: c.542T>C, p.Ile181Thr (NM_001002235.3, NM_001002236.3, NM_001127700.2 and 7 more transcripts); short protein forms I181T.
Identifiers: ClinVar variation 1747494 (VCV001747494.2), dbSNP rs2504775797, ClinGen allele CA390849513.

ClinVar aggregate classification (germline): Uncertain significance (1 of 4 stars; one submission).

Conditions:
Inborn genetic diseases. Identifiers: MedGen C0950123, MeSH D030342.

Submission:

Ambry Genetics
Classification: Uncertain significance for Inborn genetic diseases. Last evaluated: 2021-11-02. Review status: criteria provided, single submitter. Criteria: Ambry Variant Classification Scheme 2023. Collection method: clinical testing. Allele origin: germline.
Comment: The p.I181T variant (also known as c.542T>C), located in coding exon 1 of the SERPINA1 gene, results from a T to C substitution at nucleotide position 542. The isoleucine at codon 181 is replaced by threonine, an amino acid with similar properties. This amino acid position is conserved. In addition, this alteration is predicted to be deleterious by in silico analysis. Since supporting evidence is limited at this time, the clinical significance of this alteration remains unclear.